The following is an entry in ClinVar:

ClinVar aggregate classification (germline): Conflicting classifications of pathogenicity. Review status: criteria provided, conflicting classifications (1 of 4 stars). 5 submissions from 5 submitters: Uncertain significance (4); Likely benign (1). Last evaluated 2026-05-04.

Conditions:
COL4A3-related disorder. Also called: COL4A3-related condition; COL4A3-Related Disorders.

Allele frequency attached by ClinVar (database versions not stated): ESP Exome Variant Server 0.00017; gnomAD exomes 0.00022 and 0.00039; gnomAD 0.00023 and 0.00026; ExAC 0.00026; TOPMed 0.00030.

Submissions (5):

PreventionGenetics, part of Exact Sciences
Classification: Uncertain significance for COL4A3-related condition. Last evaluated: 2026-05-04. Review status: criteria provided, single submitter. Criteria: ACMG Guidelines, 2015. Collection method: clinical testing. Allele origin: germline.
Comment: The COL4A3 c.2848G>A variant is predicted to result in the amino acid substitution p.Val950Ile. To our knowledge, this variant has not been reported in the literature. This variant is reported in 0.040% of alleles in individuals of European (Non-Finnish) descent in gnomAD. At this time, the clinical significance of this variant is uncertain due to the absence of conclusive functional and genetic evidence.

Labcorp Genetics (formerly Invitae), Labcorp
Classification: Likely benign. Last evaluated: 2026-01-07. Review status: criteria provided, single submitter. Criteria: Invitae Variant Classification Sherloc (09022015). Collection method: clinical testing. Allele origin: germline.

GeneDx
Classification: Uncertain significance. Last evaluated: 2025-07-21. Review status: criteria provided, single submitter. Criteria: GeneDx Variant Classification Process June 2021. Collection method: clinical testing. Allele origin: germline. Affected: yes.
Comment: Occurs in the triple helical domain within an interruption of the canonical Gly-X-Y repeat; In silico analysis suggests that this missense variant does not alter protein structure/function; This variant is associated with the following publications: (PMID: 38883771)

Mayo Clinic Laboratories, Mayo Clinic
Classification: Uncertain significance. Last evaluated: 2023-06-01. Review status: criteria provided, single submitter. Criteria: ACMG Guidelines, 2015. Collection method: clinical testing. Allele origin: germline. Observed: 1 variant allele.

Eurofins Ntd Llc (ga)
Classification: Uncertain significance. Last evaluated: 2017-08-15. Review status: criteria provided, single submitter. Criteria: EGL Classification Definitions 2015. Collection method: clinical testing. Allele origin: germline. Observed: 1 variant allele, 1 heterozygote.

NM_000091.5(COL4A3):c.2848G>A (p.Val950Ile)

Genes: COL4A3 (collagen type IV alpha 3 chain; plus strand), MFF-DT (MFF divergent transcript; minus strand). Cytogenetic location: 2q36.3.
Variant type: single nucleotide variant.
Coding change: c.2848G>A on transcript NM_000091.5 (MANE Select); coding-DNA position 2848, G replaced by A.
Protein change: p.Val950Ile; replaces valine 950 with isoleucine.
Molecular consequence: missense variant.
Genome position (GRCh38, 1-based): chr2:227,284,312, G>A. VCF-style: chr2-227284312-G-A. GRCh37 (hg19) VCF-style: chr2-228149028-G-A.
Other names: p.Val950Ile; short protein forms V950I.
Identifiers: ClinVar variation 593397 (VCV000593397.19), dbSNP rs200044988, ClinGen allele CA2147040.